The following is an entry in ClinVar:

ClinVar aggregate classification (germline): Uncertain significance (1 of 4 stars; one submission).

Conditions:
Congenital myasthenic syndrome 8. Also called: MYASTHENIC SYNDROME, CONGENITAL, DUE TO AGRIN DEFICIENCY; Myasthenic syndrome, congenital, 8, with pre- and postsynaptic defects. Identifiers: Orphanet 590, MedGen C3808739, MONDO:0014052, OMIM 615120.

Allele frequency attached by ClinVar (database versions not stated): ExAC 0.00001; gnomAD exomes 0.00001; TOPMed 0.00002.
gnomAD v4.1: 13 of 1,611,372 alleles (0.00081%); highest among the groups gnomAD compares: African/African-American, 0.0027%; no homozygotes.

Submission:

Labcorp Genetics (formerly Invitae), Labcorp
Classification: Uncertain significance for Congenital myasthenic syndrome 8. Last evaluated: 2022-06-13. Review status: criteria provided, single submitter. Criteria: Invitae Variant Classification Sherloc (09022015). Collection method: clinical testing. Allele origin: germline.
Comment: This sequence change replaces valine, which is neutral and non-polar, with methionine, which is neutral and non-polar, at codon 606 of the AGRN protein (p.Val606Met). This variant is present in population databases (rs747982009, gnomAD 0.007%). This variant has not been reported in the literature in individuals affected with AGRN-related conditions. Algorithms developed to predict the effect of missense changes on protein structure and function are either unavailable or do not agree on the potential impact of this missense change (SIFT: "Deleterious"; PolyPhen-2: "Possibly Damaging"; Align-GVGD: "Class C0"). In summary, the available evidence is currently insufficient to determine the role of this variant in disease. Therefore, it has been classified as a Variant of Uncertain Significance.

NM_198576.4(AGRN):c.1816G>A (p.Val606Met)

Gene: AGRN (agrin; plus strand). Cytogenetic location: 1p36.33.
Variant type: single nucleotide variant.
Coding change: c.1816G>A on transcript NM_198576.4 (MANE Select); coding-DNA position 1816, G replaced by A.
Protein change: p.Val606Met; replaces valine 606 with methionine.
Molecular consequence: missense variant.
Genome position (GRCh38, 1-based): chr1:1,043,840, G>A. VCF-style: chr1-1043840-G-A. GRCh37 (hg19) VCF-style: chr1-979220-G-A.
Other names: c.1816G>A, p.Val606Met (NM_001305275.2); c.1501G>A, p.Val501Met (NM_001364727.2); short protein forms V501M, V606M.
Identifiers: ClinVar variation 1359545 (VCV001359545.3), dbSNP rs747982009, ClinGen allele CA508352.